The following is an entry in ClinVar:

NM_006946.4(SPTBN2):c.4082T>G (p.Leu1361Arg)

Gene: SPTBN2 (spectrin beta, non-erythrocytic 2; minus strand). Cytogenetic location: 11q13.2.
Variant type: single nucleotide variant.
Coding change: c.4082T>G on transcript NM_006946.4 (MANE Select); coding-DNA position 4082, T replaced by G.
Protein change: p.Leu1361Arg; replaces leucine 1361 with arginine.
Molecular consequence: missense variant.
Genome position (GRCh38, 1-based): chr11:66,696,473, A>C on the plus strand (T>G on the coding strand, the complement: SPTBN2 is on the minus strand). VCF-style: chr11-66696473-A-C. GRCh37 (hg19) VCF-style: chr11-66463944-A-C.
Other names: c.4103T>G, p.Leu1368Arg (NM_001411025.1); short protein forms L1361R, L1368R.
Identifiers: ClinVar variation 3342215 (VCV003342215.16).

ClinVar aggregate classification (germline): Uncertain significance (1 of 4 stars; one submission).

gnomAD v4.1: 1 of 1,612,538 alleles (0.000062%); highest among the groups gnomAD compares: Non-Finnish European, 0.000085%; no homozygotes.

Submission:

CeGaT Center for Human Genetics Tuebingen
Classification: Uncertain significance. Last evaluated: 2025-12-01. Review status: criteria provided, single submitter. Criteria: CeGaT Center For Human Genetics Tuebingen Variant Classification Criteria Version 2. Collection method: clinical testing. Allele origin: germline. Affected: yes. Observed: 1 variant allele.
Comment: SPTBN2: PM2:Supporting